The following is an entry in ClinVar:

NM_004655.4(AXIN2):c.2447C>T (p.Ala816Val)

Gene: AXIN2 (axin 2; minus strand). Cytogenetic location: 17q24.1.
Variant type: single nucleotide variant.
Coding change: c.2447C>T on transcript NM_004655.4 (MANE Select); coding-DNA position 2447, C replaced by T.
Protein change: p.Ala816Val; replaces alanine 816 with valine.
Molecular consequence: missense variant.
Genome position (GRCh38, 1-based): chr17:65,530,061, G>A on the plus strand (C>T on the coding strand, the complement: AXIN2 is on the minus strand). VCF-style: chr17-65530061-G-A. GRCh37 (hg19) VCF-style: chr17-63526179-G-A.
Other names: c.2447C>T (LRG_296t1); c.2252C>T, p.Ala751Val (NM_001363813.1); short protein forms A816V, A751V.
Identifiers: ClinVar variation 575631 (VCV000575631.23), dbSNP rs755508971, ClinGen allele CA8718286.

ClinVar aggregate classification (germline): Conflicting classifications of pathogenicity. Review status: criteria provided, conflicting classifications (1 of 4 stars). 7 submissions from 7 submitters: Likely pathogenic (1); Uncertain significance (5); Likely benign (1). Last evaluated 2025-12-10.

Conditions:
Ovarian cancer. Also called: OVARIAN CANCER, SOMATIC. Identifiers: Orphanet 213500, MedGen C1140680, MONDO:0008170, OMIM 167000.
Oligodontia-cancer predisposition syndrome. Also called: TOOTH AGENESIS-COLORECTAL CANCER SYNDROME. Identifiers: Orphanet 300576, MedGen C1837750, MONDO:0012075, OMIM 608615. Disease mechanism: loss of function.
Colorectal cancer. Also called: Colorectal cancer, somatic; Malignant Colorectal Neoplasm. Identifiers: MedGen C0346629, MONDO:0005575, OMIM 114500.
Hereditary cancer-predisposing syndrome. Also called: Tumor predisposition; Hereditary neoplastic syndrome; Hereditary Cancer Syndrome; Neoplastic Syndromes, Hereditary. Identifiers: Orphanet 140162, MedGen C0027672, MeSH D009386, MONDO:0015356.

Allele frequency attached by ClinVar (database versions not stated): ExAC 0.00001; gnomAD exomes 0.00001 and 0.00002; TOPMed 0.00001.
gnomAD v4.1: 13 of 1,614,056 alleles (0.00081%); highest among the groups gnomAD compares: South Asian, 0.012%; no homozygotes.

Submissions (7):

Labcorp Genetics (formerly Invitae), Labcorp
Classification: Uncertain significance for Oligodontia-cancer predisposition syndrome. Last evaluated: 2025-12-10. Review status: criteria provided, single submitter. Criteria: Invitae Variant Classification Sherloc (09022015). Collection method: clinical testing. Allele origin: germline.
Comment: This sequence change replaces alanine, which is neutral and non-polar, with valine, which is neutral and non-polar, at codon 816 of the AXIN2 protein (p.Ala816Val). This variant is present in population databases (rs755508971, gnomAD 0.02%). This variant has not been reported in the literature in individuals affected with AXIN2-related conditions. ClinVar contains an entry for this variant (Variation ID: 575631). Invitae Evidence Modeling of protein sequence and biophysical properties (such as structural, functional, and spatial information, amino acid conservation, physicochemical variation, residue mobility, and thermodynamic stability) indicates that this missense variant is not expected to disrupt AXIN2 protein function with a negative predictive value of 80%. In summary, the available evidence is currently insufficient to determine the role of this variant in disease. Therefore, it has been classified as a Variant of Uncertain Significance.

Center for Genomic Medicine, Rigshospitalet, Copenhagen University Hospital
Classification: Uncertain significance. Last evaluated: 2025-03-04. Review status: criteria provided, single submitter. Criteria: ACMG Guidelines, 2015. Collection method: clinical testing. Allele origin: germline.

Quest Diagnostics Nichols Institute San Juan Capistrano
Classification: Uncertain significance. Last evaluated: 2024-10-02. Review status: criteria provided, single submitter. Criteria: Quest Diagnostics criteria. Collection method: clinical testing. Allele origin: unknown.
Comment: The AXIN2 c.2447C>T (p.Ala816Val) variant has been reported in the published literature along with other variants in an individual with ovarian cancer (PMID: 38509102 (2024)). The frequency of this variant in the general population, 0.00016 (5/30616 chromosomes in South Asian subpopulation (Genome Aggregation Database)), is higher than would generally be expected for pathogenic variants in this gene. Analysis of this variant using bioinformatics tools for the prediction of the effect of amino acid changes on protein structure and function yielded conflicting predictions that this variant is benign or damaging. Based on the available information, we are unable to determine the clinical significance of this variant.

Ambry Genetics
Classification: Likely benign for Hereditary cancer-predisposing syndrome. Last evaluated: 2024-05-31. Review status: criteria provided, single submitter. Criteria: Ambry Variant Classification Scheme 2023. Collection method: clinical testing. Allele origin: germline.

GeneDx
Classification: Uncertain significance. Last evaluated: 2023-11-14. Review status: criteria provided, single submitter. Criteria: GeneDx Variant Classification Process June 2021. Collection method: clinical testing. Allele origin: germline. Affected: yes.
Comment: Not observed at significant frequency in large population cohorts (gnomAD); In silico analysis supports that this missense variant does not alter protein structure/function; Has not been previously published as pathogenic or benign to our knowledge; This variant is associated with the following publications: (PMID: 15735151)

Baylor Genetics
Classification: Uncertain significance for Colorectal cancer. Last evaluated: 2023-11-10. Review status: criteria provided, single submitter. Criteria: ACMG Guidelines, 2015. Collection method: clinical testing. Allele origin: unknown.

Laboratory of Molecular Epidemiology of Birth Defects, West China Second University Hospital, Sichuan University
Classification: Likely pathogenic for Ovarian cancer. Last evaluated: 2022-01-01. Review status: criteria provided, single submitter. Criteria: ACMG Guidelines, 2015. Collection method: clinical testing. Allele origin: germline. Affected: yes.

Literature cited by the submitters: PubMed 38509102 (cited by Quest Diagnostics Nichols Institute San Juan Capistrano).